The following is an entry in ClinVar:

ClinVar aggregate classification (germline): Uncertain significance (1 of 4 stars; one submission).

Allele frequency attached by ClinVar (database versions not stated): ExAC 0.00001; gnomAD exomes 0.00001.
gnomAD v4.1: 10 of 1,613,522 alleles (0.00062%); highest among the groups gnomAD compares: Admixed American, 0.005%; no homozygotes.

Submission:

Labcorp Genetics (formerly Invitae), Labcorp
Classification: Uncertain significance. Last evaluated: 2022-08-19. Review status: criteria provided, single submitter. Criteria: Invitae Variant Classification Sherloc (09022015). Collection method: clinical testing. Allele origin: germline.
Comment: Algorithms developed to predict the effect of missense changes on protein structure and function (SIFT, PolyPhen-2, Align-GVGD) all suggest that this variant is likely to be tolerated. In summary, the available evidence is currently insufficient to determine the role of this variant in disease. Therefore, it has been classified as a Variant of Uncertain Significance. This variant has not been reported in the literature in individuals affected with PPCS-related conditions. This variant is present in population databases (rs765154395, gnomAD 0.009%). This sequence change replaces proline, which is neutral and non-polar, with leucine, which is neutral and non-polar, at codon 98 of the PPCS protein (p.Pro98Leu).

NM_024664.4(PPCS):c.293C>T (p.Pro98Leu)

Genes: CCDC30 (coiled-coil domain containing 30; plus strand), PPCS (phosphopantothenoylcysteine synthetase; plus strand), LOC129930344 (ATAC-STARR-seq lymphoblastoid active region 894; plus strand). Cytogenetic location: 1p34.2.
Variant type: single nucleotide variant.
Coding change: c.293C>T on transcript NM_024664.4 (MANE Select); coding-DNA position 293, C replaced by T.
Protein change: p.Pro98Leu; replaces proline 98 with leucine.
Molecular consequence: missense variant. On other transcripts: intron variant (6), 5 prime UTR variant (1).
Genome position (GRCh38, 1-based): chr1:42,456,858, C>T. VCF-style: chr1-42456858-C-T. GRCh37 (hg19) VCF-style: chr1-42922529-C-T.
Other names: c.-328+359C>T (NM_001287507.1); c.-12+359C>T (NM_001287506.1); c.-12+134C>T (NM_001287508.2); c.-12+230C>T (NM_001077447.3); c.-12+275C>T (NM_001287509.2); c.-400C>T (NM_001287510.2); c.293C>T, p.Pro98Leu (NM_001287511.2); c.-984+359C>T (NM_001355226.2); short protein forms P98L.
Identifiers: ClinVar variation 2188147 (VCV002188147.3), dbSNP rs765154395, ClinGen allele CA799941.
Genomic context (GRCh38, chr1:42,456,858, plus strand): 5'-ACGGGGTCCTGTTCTTGTATCGCGCTCGCTCTGCCTTCCCCTATGCCCACCGCTTCCCAC[C>T]CCAGACTTGGCTGTCCGCTCTGCGGCCTTCGGGCCCAGCCCTTTCGGGCTTGCTGAGCCT-3'
Protein context (NP_078940.2, residues 88-108): SAFPYAHRFP[Pro98Leu]QTWLSALRPS